The following is an entry in ClinVar:

ClinVar aggregate classification (germline): Pathogenic (1 of 4 stars; one submission).

Conditions:
Spastic paraplegia. Identifiers: MedGen C0037772, HP:0001258.

Submission:

Labcorp Genetics (formerly Invitae), Labcorp
Classification: Pathogenic for Spastic paraplegia. Last evaluated: 2021-01-20. Review status: criteria provided, single submitter. Criteria: Invitae Variant Classification Sherloc (09022015). Collection method: clinical testing. Allele origin: germline.
Comment: For these reasons, this variant has been classified as Pathogenic. This variant disrupts the C-terminus of the SACS protein. Other variant(s) that disrupt this region (p.Tyr4538*) have been determined to be pathogenic (Invitae). This suggests that variants that disrupt this region of the protein are likely to be causative of disease. This variant has not been reported in the literature in individuals with SACS-related conditions. This variant is not present in population databases (ExAC no frequency). This sequence change creates a premature translational stop signal (p.Ile1592Lysfs*11) in the SACS gene. While this is not anticipated to result in nonsense mediated decay, it is expected to disrupt the last 2988 amino acid(s) of the SACS protein.

NM_014363.6(SACS):c.4775_4776del (p.Ile1592fs)

Gene: SACS (sacsin molecular chaperone; minus strand). Cytogenetic location: 13q12.12.
Variant type: Deletion.
Coding change: c.4775_4776del on transcript NM_014363.6 (MANE Select); coding-DNA positions 4775 to 4776, 2 bases deleted (TT; older notation c.4775_4776delTT).
Protein change: p.Ile1592fs; shifts the reading frame from isoleucine 1592.
Molecular consequence: frameshift variant.
Genome position (GRCh38, 1-based): chr13:23,339,100-23,339,101, AA deleted on the plus strand (TT on the coding strand, the reverse complement: SACS is on the minus strand). VCF-style (leftmost placement, unchanged base first): chr13-23339099-TAA-T. GRCh37 (hg19) VCF-style: chr13-23913238-TAA-T.
Other names: c.4334_4335del, p.Ile1445fs (NM_001278055.2); short protein forms I1592fs, I1445fs.
Identifiers: ClinVar variation 1453978 (VCV001453978.8), dbSNP rs2137624455, ClinGen allele CA2573149150.